The following is an entry in ClinVar:

ClinVar aggregate classification (germline): Benign. Review status: criteria provided, single submitter (1 of 4 stars). 2 submissions from 1 submitter: Benign (2). Last evaluated 2018-01-13.

Conditions:
Adult-onset proximal spinal muscular atrophy, autosomal dominant. Also called: FINKEL LATE-ADULT TYPE SMA; Spinal muscular atrophy, late-onset, finkel type. Identifiers: Orphanet 209335, MedGen C1854058, MONDO:0008453, OMIM 182980.
Amyotrophic lateral sclerosis type 8 (ALS8). Identifiers: Orphanet 803, MedGen C1837728, MONDO:0012077, OMIM 608627.

Allele frequency attached by ClinVar (database versions not stated): ExAC 0.00033; gnomAD 0.00036 and 0.00049; gnomAD exomes 0.00042 and 0.00098; TOPMed 0.00054; 1000 Genomes Project 30x 0.00250; 1000 Genomes Project 0.00260.
gnomAD v4.1: 197 of 454,592 alleles (0.043%); highest among the groups gnomAD compares: East Asian, 1.2%; no homozygotes.

Submissions (2):

Illumina Laboratory Services, Illumina
Classification: Benign for Adult-onset proximal spinal muscular atrophy, autosomal dominant. Last evaluated: 2018-01-13. Review status: criteria provided, single submitter. Criteria: ICSL Variant Classification Criteria 13 December 2019. Collection method: clinical testing. Allele origin: germline.
Comment: This variant was observed in the ICSL laboratory as part of a predisposition screen in an ostensibly healthy population. It had not been previously curated by ICSL or reported in the Human Gene Mutation Database (HGMD: prior to June 1st, 2018), and was therefore a candidate for classification through an automated scoring system. Utilizing variant allele frequency, disease prevalence and penetrance estimates, and inheritance mode, an automated score was calculated to assess if this variant is too frequent to cause the disease. Based on the score and internal cut-off values, a variant classified as benign is not then subjected to further curation. The score for this variant resulted in a classification of benign for this disease.

Illumina Laboratory Services, Illumina
Classification: Benign for Amyotrophic lateral sclerosis type 8. Last evaluated: 2018-01-13. Review status: criteria provided, single submitter. Criteria: ICSL Variant Classification Criteria 13 December 2019. Collection method: clinical testing. Allele origin: germline.
Comment: the same text as in the submission from Illumina Laboratory Services, Illumina above.

NM_004738.5(VAPB):c.*596C>T

Gene: VAPB (VAMP associated protein B and C; plus strand). Cytogenetic location: 20q13.32.
Variant type: single nucleotide variant.
Coding change: c.*596C>T on transcript NM_004738.5 (MANE Select); 596 bases downstream of the stop codon, C replaced by T.
Molecular consequence: 3 prime UTR variant. On other transcripts: non-coding transcript variant (1).
Genome position (GRCh38, 1-based): chr20:58,444,831, C>T. VCF-style: chr20-58444831-C-T. GRCh37 (hg19) VCF-style: chr20-57019887-C-T.
Other names: c.*666C>T (NM_001195677.2).
Identifiers: ClinVar variation 338938 (VCV000338938.6), dbSNP rs118055109, ClinGen allele CA9924396.